The following is an entry in ClinVar:

NM_153676.4(USH1C):c.506T>C (p.Leu169Pro)

Gene: USH1C (USH1 protein network component harmonin; minus strand). Cytogenetic location: 11p15.1.
Variant type: single nucleotide variant.
Coding change: c.506T>C on transcript NM_153676.4 (MANE Select); coding-DNA position 506, T replaced by C.
Protein change: p.Leu169Pro; replaces leucine 169 with proline.
Molecular consequence: missense variant. On other transcripts: non-coding transcript variant (1).
Genome position (GRCh38, 1-based): chr11:17,527,031, A>G on the plus strand (T>C on the coding strand, the complement: USH1C is on the minus strand). VCF-style: chr11-17527031-A-G. GRCh37 (hg19) VCF-style: chr11-17548578-A-G.
Other names: c.506T>C (NM_005709.3); c.506T>C, p.Leu169Pro (NM_001297764.2, NM_005709.4); short protein forms L169P.
Identifiers: ClinVar variation 2190233 (VCV002190233.4), dbSNP rs1850714467, ClinGen allele CA379794884.

ClinVar aggregate classification (germline): Uncertain significance. Review status: criteria provided, multiple submitters, no conflicts (2 of 4 stars). 2 submissions from 2 submitters: Uncertain significance (2). Last evaluated 2025-10-18.

Conditions:
Inborn genetic diseases. Identifiers: MedGen C0950123, MeSH D030342.

Allele frequency attached by ClinVar (database versions not stated): gnomAD exomes 0.00001.
gnomAD v4.1: 22 of 1,558,596 alleles (0.0014%); highest among the groups gnomAD compares: Non-Finnish European, 0.0017%; no homozygotes.

Submissions (2):

Ambry Genetics
Classification: Uncertain significance for Inborn genetic diseases. Last evaluated: 2025-10-18. Review status: criteria provided, single submitter. Criteria: Ambry Variant Classification Scheme 2023. Collection method: clinical testing. Allele origin: germline.

Labcorp Genetics (formerly Invitae), Labcorp
Classification: Uncertain significance. Last evaluated: 2024-03-20. Review status: criteria provided, single submitter. Criteria: Invitae Variant Classification Sherloc (09022015). Collection method: clinical testing. Allele origin: germline.
Comment: This sequence change replaces leucine, which is neutral and non-polar, with proline, which is neutral and non-polar, at codon 169 of the USH1C protein (p.Leu169Pro). This variant is not present in population databases (gnomAD no frequency). This variant has not been reported in the literature in individuals affected with USH1C-related conditions. ClinVar contains an entry for this variant (Variation ID: 2190233). An algorithm developed to predict the effect of missense changes on protein structure and function (PolyPhen-2) suggests that this variant is likely to be tolerated. In summary, the available evidence is currently insufficient to determine the role of this variant in disease. Therefore, it has been classified as a Variant of Uncertain Significance.